The following is an entry in ClinVar:

NM_001292063.2(OTOG):c.5981C>T (p.Ala1994Val)

Gene: OTOG (otogelin; plus strand). Cytogenetic location: 11p15.1.
Variant type: single nucleotide variant.
Coding change: c.5981C>T on transcript NM_001292063.2 (MANE Select); coding-DNA position 5981, C replaced by T.
Protein change: p.Ala1994Val; replaces alanine 1994 with valine.
Molecular consequence: missense variant.
Genome position (GRCh38, 1-based): chr11:17,611,281, C>T. VCF-style: chr11-17611281-C-T. GRCh37 (hg19) VCF-style: chr11-17632828-C-T.
Other names: c.6017C>T, p.Ala2006Val (NM_001277269.2); short protein forms A1994V, A2006V.
Identifiers: ClinVar variation 1199968 (VCV001199968.6), dbSNP rs11024341, ClinGen allele CA218477345.

ClinVar aggregate classification (germline): Conflicting classifications of pathogenicity. Review status: criteria provided, conflicting classifications (1 of 4 stars). 3 submissions from 3 submitters: Uncertain significance (1); Likely benign (1). 1 of the submissions does not count toward it. Last evaluated 2025-02-26.

Conditions:
OTOG-related disorder. Also called: OTOG-related condition.

Allele frequency attached by ClinVar (database versions not stated): gnomAD exomes 0.00004 and 0.00028; gnomAD 0.00007 and 0.00009; TOPMed 0.00011; 1000 Genomes Project 30x 0.00047; 1000 Genomes Project 0.00060.
gnomAD v4.1: 70 of 1,550,538 alleles (0.0045%); highest among the groups gnomAD compares: East Asian, 0.15%; 1 homozygote.

Submissions (3):

Labcorp Genetics (formerly Invitae), Labcorp
Classification: Likely benign. Last evaluated: 2025-02-26. Review status: criteria provided, single submitter. Criteria: Invitae Variant Classification Sherloc (09022015). Collection method: clinical testing. Allele origin: germline.

GeneDx
Classification: Uncertain significance. Last evaluated: 2019-10-02. Review status: criteria provided, single submitter. Criteria: GeneDx Variant Classification Process June 2021. Collection method: clinical testing. Allele origin: germline. Affected: yes.
Comment: In silico analysis, which includes protein predictors and evolutionary conservation, supports that this variant does not alter protein structure/function; In silico splice predictors suggest this variant may impact gene splicing. In the absence of RNA/functional studies, the actual effect of this sequence change is unknown.; Has not been previously published as pathogenic or benign to our knowledge

PreventionGenetics, part of Exact Sciences
Classification: Likely benign for OTOG-related condition. Last evaluated: 2022-09-28. Review status: no assertion criteria provided. Collection method: clinical testing. Allele origin: germline. Not counted in ClinVar's aggregate classification.
Comment: This variant is classified as likely benign based on ACMG/AMP sequence variant interpretation guidelines (Richards et al. 2015 PMID: 25741868, with internal and published modifications).